The following is an entry in ClinVar:

ClinVar aggregate classification (germline): Uncertain significance (1 of 4 stars; one submission).

Conditions:
Multiple endocrine neoplasia, type 2 (MEN2). Identifiers: Orphanet 653, MedGen C4048306, MONDO:0019003. Disease mechanism: gain of function.

Submission:

Labcorp Genetics (formerly Invitae), Labcorp
Classification: Uncertain significance for Multiple endocrine neoplasia, type 2. Last evaluated: 2014-12-28. Review status: criteria provided, single submitter. Criteria: Invitae Variant Classification Sherloc (09022015). Collection method: clinical testing. Allele origin: germline.
Comment: In summary, because the exact 3' boundary of this variant has not been determined, and whether this duplication occurs in tandem is not known, the impact of this duplication on RET protein function can not be unequivocally established. Therefore, it has been classified as a Variant of Uncertain Significance. This sequence change has not been published in the literature, and gross duplications in RET have not been reported. This sequence change is a gross duplication of the genomic region encompassing exons 16-20 of the RET gene.¬†This duplication extends to the edge of the assayed region, and the 3' boundary of this event is not known.

NC_000010.10:g.(?_43617300)_(43623793_?)dup

Gene: RET (ret proto-oncogene; plus strand). Cytogenetic location: 10q11.21.
Variant type: Duplication.
Identifiers: ClinVar variation 1017413 (VCV001017413.5).